The following is an entry in ClinVar:

NM_001267550.2(TTN):c.52317dup (p.Glu17440fs)

Genes: TTN (titin; minus strand), TTN-AS1 (TTN antisense RNA 1; plus strand). Cytogenetic location: 2q31.2.
Variant type: Duplication.
Coding change: c.52317dup on transcript NM_001267550.2 (MANE Select); coding-DNA position 52317, one base duplicated (A; older notation c.52317dupA).
Protein change: p.Glu17440fs; shifts the reading frame from glutamic acid 17440.
Molecular consequence: frameshift variant.
Genome position (GRCh38, 1-based): chr2:178,608,694, T duplicated on the plus strand (A on the coding strand, the reverse complement: TTN is on the minus strand); the first of 4 consecutive T bases (chr2:178,608,694-178,608,697); duplicating any one gives the same sequence. VCF-style (leftmost placement, unchanged base first): chr2-178608693-C-CT. GRCh37 (hg19) VCF-style: chr2-179473420-C-CT.
Other names: c.47394dup, p.Glu15799fs (NM_001256850.1); c.25122dup, p.Glu8375fs (NM_003319.4); c.44613dup, p.Glu14872fs (NM_133378.4); c.25497dup, p.Glu8500fs (NM_133432.3); c.25698dup, p.Glu8567fs (NM_133437.4); short protein forms E14872fs, E8567fs, E8500fs, E15799fs, E17440fs, E8375fs.
Identifiers: ClinVar variation 2046008 (VCV002046008.5), dbSNP rs2470351343, ClinGen allele CA2580064971.

ClinVar aggregate classification (germline): Likely pathogenic. Review status: criteria provided, multiple submitters, no conflicts (2 of 4 stars). 2 submissions from 2 submitters: Likely pathogenic (2). Last evaluated 2022-05-27.

Conditions:
Dilated cardiomyopathy 1G (CMD1G). Identifiers: Orphanet 154, MedGen C1858763, MONDO:0011400, OMIM 604145.
Autosomal recessive limb-girdle muscular dystrophy type 2J (LGMDR10). Also called: Limb-girdle muscular dystrophy, type 2J; MUSCULAR DYSTROPHY, LIMB-GIRDLE, AUTOSOMAL RECESSIVE 10. Identifiers: Orphanet 140922, MedGen C1837342, MONDO:0012127, OMIM 608807.

Submissions (2):

Clinical Genetics Laboratory, Skane University Hospital Lund
Classification: Likely pathogenic. Last evaluated: 2022-05-27. Review status: criteria provided, single submitter. Criteria: ACMG Guidelines, 2015. Collection method: clinical testing. Allele origin: germline. Affected: yes.

Labcorp Genetics (formerly Invitae), Labcorp
Classification: Likely pathogenic for Dilated cardiomyopathy 1G; Autosomal recessive limb-girdle muscular dystrophy type 2J. Last evaluated: 2021-12-18. Review status: criteria provided, single submitter. Criteria: Invitae Variant Classification Sherloc (09022015). Collection method: clinical testing. Allele origin: germline.
Comment: In summary, the currently available evidence indicates that the variant is pathogenic, but additional data are needed to prove that conclusively. Therefore, this variant has been classified as Likely Pathogenic. This variant is located in the A band of TTN (PMID: 25589632). Truncating variants in this region are significantly overrepresented in patients affected with dilated cardiomyopathy (PMID: 25589632). Truncating variants in this region have also been reported in individuals affected with autosomal recessive centronuclear myopathy (PMID: 23975875). This variant has not been reported in the literature in individuals affected with TTN-related conditions. This variant is not present in population databases (gnomAD no frequency). This sequence change creates a premature translational stop signal (p.Glu17440Argfs*9) in the TTN gene. While this is not anticipated to result in nonsense mediated decay, it is expected to create a truncated TTN protein.

Literature cited by the submitters: PubMed 25589632 (cited by Labcorp Genetics (formerly Invitae), Labcorp); PubMed 23975875 (cited by Labcorp Genetics (formerly Invitae), Labcorp).